The following is an entry in ClinVar:

NM_003024.3(ITSN1):c.1838T>G (p.Ile613Arg)

Gene: ITSN1 (intersectin 1; plus strand). Cytogenetic location: 21q22.11.
Variant type: single nucleotide variant.
Coding change: c.1838T>G on transcript NM_003024.3 (MANE Select); coding-DNA position 1838, T replaced by G.
Protein change: p.Ile613Arg; replaces isoleucine 613 with arginine.
Molecular consequence: missense variant.
Genome position (GRCh38, 1-based): chr21:33,794,354, T>G. VCF-style: chr21-33794354-T-G. GRCh37 (hg19) VCF-style: chr21-35166658-T-G.
Other names: c.1838T>G, p.Ile613Arg (NM_001001132.2, NM_001331008.2, NM_001331009.2 and 2 more transcripts); c.1727T>G, p.Ile576Arg (NM_001331012.2); short protein forms I576R, I613R.
Identifiers: ClinVar variation 2631800 (VCV002631800.1), dbSNP rs774528531, ClinGen allele CA410130358.

ClinVar aggregate classification (germline): Uncertain significance (1 of 4 stars; one submission).

Conditions:
ITSN1-related disorder. Also called: ITSN1-related condition.

gnomAD v4.1: 1 of 1,612,346 alleles (0.000062%); highest among the groups gnomAD compares: African/African-American, 0.0013%; no homozygotes.

Submission:

PreventionGenetics, part of Exact Sciences
Classification: Uncertain significance for ITSN1-related condition. Last evaluated: 2023-07-31. Review status: criteria provided, single submitter. Criteria: ACMG Guidelines, 2015. Collection method: clinical testing. Allele origin: germline.
Comment: The ITSN1 c.1838T>G variant is predicted to result in the amino acid substitution p.Ile613Arg. To our knowledge, this variant has not been reported in the literature or in a large population database, indicating this variant is rare. At this time, the clinical significance of this variant is uncertain due to the absence of conclusive functional and genetic evidence.